The following is an entry in ClinVar:

ClinVar aggregate classification (germline): Uncertain significance (1 of 4 stars; one submission).

Conditions:
Immunodeficiency 14 (IMD14A). Also called: IMMUNODEFICIENCY 14A WITH LYMPHOPROLIFERATION, AUTOSOMAL DOMINANT; Activated PI3K Delta Syndrome Type 1 (APDS1); p110-DELTA-ACTIVATING MUTATION CAUSING SENESCENT T CELLS, LYMPHADENOPATHY, AND IMMUNODEFICIENCY; ACTIVATED PI3K-DELTA SYNDROME 1. Identifiers: Orphanet 397596, Orphanet 693661, MedGen C5907821, MONDO:0014222, OMIM 615513.

Allele frequency attached by ClinVar (database versions not stated): TOPMed below 0.00001; gnomAD exomes 0.00002.

Submission:

Labcorp Genetics (formerly Invitae), Labcorp
Classification: Uncertain significance for Activated PI3K-delta syndrome. Last evaluated: 2026-01-18. Review status: criteria provided, single submitter. Criteria: Invitae Variant Classification Sherloc (09022015). Collection method: clinical testing. Allele origin: germline.
Comment: This sequence change replaces arginine, which is basic and polar, with tryptophan, which is neutral and slightly polar, at codon 518 of the PIK3CD protein (p.Arg518Trp). This variant is present in population databases (no rsID available, gnomAD 0.01%). This variant has not been reported in the literature in individuals affected with PIK3CD-related conditions. ClinVar contains an entry for this variant (Variation ID: 2110734). Invitae Evidence Modeling of protein sequence and biophysical properties (such as structural, functional, and spatial information, amino acid conservation, physicochemical variation, residue mobility, and thermodynamic stability) indicates that this missense variant is expected to disrupt PIK3CD protein function with a positive predictive value of 80%. In summary, the available evidence is currently insufficient to determine the role of this variant in disease. Therefore, it has been classified as a Variant of Uncertain Significance.

NM_005026.5(PIK3CD):c.1552C>T (p.Arg518Trp)

Gene: PIK3CD (phosphatidylinositol-4,5-bisphosphate 3-kinase catalytic subunit delta; plus strand). Cytogenetic location: 1p36.22.
Variant type: single nucleotide variant.
Coding change: c.1552C>T on transcript NM_005026.5 (MANE Select); coding-DNA position 1552, C replaced by T.
Protein change: p.Arg518Trp; replaces arginine 518 with tryptophan.
Molecular consequence: missense variant.
Genome position (GRCh38, 1-based): chr1:9,720,772, C>T. VCF-style: chr1-9720772-C-T. GRCh37 (hg19) VCF-style: chr1-9780830-C-T.
Other names: c.1549C>T, p.Arg517Trp (NM_001350234.2); c.1465C>T, p.Arg489Trp (NM_001350235.1); short protein forms R489W, R517W, R518W.
Identifiers: ClinVar variation 2110734 (VCV002110734.4), dbSNP rs1185305370, ClinGen allele CA338303770.